The following is an entry in ClinVar:

ClinVar aggregate classification (germline): Uncertain significance. Review status: criteria provided, multiple submitters, no conflicts (2 of 4 stars). 2 submissions from 2 submitters: Uncertain significance (2). Last evaluated 2024-12-14.

Conditions:
Hajdu-Cheney syndrome (HJCYS). Also called: SERPENTINE FIBULA-POLYCYSTIC KIDNEY SYNDROME; Acroosteolysis dominant type; ACROOSTEOLYSIS WITH OSTEOPOROSIS AND CHANGES IN SKULL AND MANDIBLE. Identifiers: Orphanet 955, MedGen C0917715, MONDO:0007057, OMIM 102500.

Allele frequency attached by ClinVar (database versions not stated): gnomAD exomes below 0.00001; TOPMed below 0.00001; gnomAD 0.00001.

Submissions (2):

GeneDx
Classification: Uncertain significance. Last evaluated: 2024-12-14. Review status: criteria provided, single submitter. Criteria: GeneDx Variant Classification Process June 2021. Collection method: clinical testing. Allele origin: germline. Affected: yes.
Comment: Not observed at significant frequency in large population cohorts (gnomAD); In silico analysis supports that this missense variant has a deleterious effect on protein structure/function; Has not been previously published as pathogenic or benign to our knowledge

Labcorp Genetics (formerly Invitae), Labcorp
Classification: Uncertain significance for Hajdu-Cheney syndrome. Last evaluated: 2023-09-22. Review status: criteria provided, single submitter. Criteria: Invitae Variant Classification Sherloc (09022015). Collection method: clinical testing. Allele origin: germline.
Comment: This variant is present in population databases (no rsID available, gnomAD 0.01%). Advanced modeling of protein sequence and biophysical properties (such as structural, functional, and spatial information, amino acid conservation, physicochemical variation, residue mobility, and thermodynamic stability) performed at Invitae indicates that this missense variant is not expected to disrupt NOTCH2 protein function. This variant has not been reported in the literature in individuals affected with NOTCH2-related conditions. This sequence change replaces methionine, which is neutral and non-polar, with isoleucine, which is neutral and non-polar, at codon 1959 of the NOTCH2 protein (p.Met1959Ile). In summary, the available evidence is currently insufficient to determine the role of this variant in disease. Therefore, it has been classified as a Variant of Uncertain Significance.

NM_024408.4(NOTCH2):c.5877G>T (p.Met1959Ile)

Gene: NOTCH2 (notch receptor 2; minus strand). Cytogenetic location: 1p12.
Variant type: single nucleotide variant.
Coding change: c.5877G>T on transcript NM_024408.4 (MANE Select); coding-DNA position 5877, G replaced by T.
Protein change: p.Met1959Ile; replaces methionine 1959 with isoleucine.
Molecular consequence: missense variant.
Genome position (GRCh38, 1-based): chr1:119,918,458, C>A on the plus strand (G>T on the coding strand, the complement: NOTCH2 is on the minus strand). VCF-style: chr1-119918458-C-A. GRCh37 (hg19) VCF-style: chr1-120461081-C-A.
Other names: c.5877G>T (NM_024408.3); short protein forms M1959I.
Identifiers: ClinVar variation 2918369 (VCV002918369.4), dbSNP rs1165534127, ClinGen allele CA341882562.